The following is an entry in ClinVar:

ClinVar aggregate classification (germline): Uncertain significance (1 of 4 stars; one submission).

Conditions:
Myasthenic syndrome, congenital, 22 (CMS22). Also called: PREPL DEFICIENCY. Identifiers: MedGen C4479088, MONDO:0044299, OMIM 616224.

gnomAD v4.1: 1 of 1,614,186 alleles (0.000062%); no homozygotes.

Submission:

Labcorp Genetics (formerly Invitae), Labcorp
Classification: Uncertain significance for Myasthenic syndrome, congenital, 22. Last evaluated: 2022-06-02. Review status: criteria provided, single submitter. Criteria: Invitae Variant Classification Sherloc (09022015). Collection method: clinical testing. Allele origin: germline.
Comment: This sequence change replaces serine, which is neutral and polar, with asparagine, which is neutral and polar, at codon 559 of the PREPL protein (p.Ser559Asn). In summary, the available evidence is currently insufficient to determine the role of this variant in disease. Therefore, it has been classified as a Variant of Uncertain Significance. Algorithms developed to predict the effect of sequence changes on RNA splicing suggest that this variant may disrupt the consensus splice site. Algorithms developed to predict the effect of missense changes on protein structure and function are either unavailable or do not agree on the potential impact of this missense change (SIFT: "Deleterious"; PolyPhen-2: "Probably Damaging"; Align-GVGD: "Class C0"). ClinVar contains an entry for this variant (Variation ID: 1384394). This variant has not been reported in the literature in individuals affected with PREPL-related conditions. This variant is not present in population databases (gnomAD no frequency).

NM_001171613.2(PREPL):c.1409G>A (p.Ser470Asn)

Gene: PREPL (prolyl endopeptidase like; minus strand). Cytogenetic location: 2p21.
Variant type: single nucleotide variant.
Coding change: c.1409G>A on transcript NM_001171613.2 (MANE Select); coding-DNA position 1409, G replaced by A.
Protein change: p.Ser470Asn; replaces serine 470 with asparagine.
Molecular consequence: missense variant.
Genome position (GRCh38, 1-based): chr2:44,326,782, C>T on the plus strand (G>A on the coding strand, the complement: PREPL is on the minus strand). VCF-style: chr2-44326782-C-T. GRCh37 (hg19) VCF-style: chr2-44553921-C-T.
Other names: c.1490G>A, p.Ser497Asn (NM_001042385.2); c.1478G>A, p.Ser493Asn (NM_001042386.2); c.1676G>A, p.Ser559Asn (NM_001171603.1, NM_001171606.2, NM_001374275.1 and 2 more transcripts); c.1409G>A, p.Ser470Asn (NM_001171617.1, NM_001374277.1); short protein forms S470N, S497N, S493N, S559N.
Identifiers: ClinVar variation 1384394 (VCV001384394.6), dbSNP rs2103750576, ClinGen allele CA346689515.